The following is an entry in ClinVar:

NM_003901.4(SGPL1):c.674C>T (p.Ala225Val)

Gene: SGPL1 (sphingosine-1-phosphate lyase 1; plus strand). Cytogenetic location: 10q22.1.
Variant type: single nucleotide variant.
Coding change: c.674C>T on transcript NM_003901.4 (MANE Select); coding-DNA position 674, C replaced by T.
Protein change: p.Ala225Val; replaces alanine 225 with valine.
Molecular consequence: missense variant.
Genome position (GRCh38, 1-based): chr10:70,868,403, C>T. VCF-style: chr10-70868403-C-T. GRCh37 (hg19) VCF-style: chr10-72628160-C-T.
Other names: short protein forms A225V.
Identifiers: ClinVar variation 2100876 (VCV002100876.4), dbSNP rs777327598, ClinGen allele CA5541258.
Genomic context (GRCh38, chr10:70,868,403, plus strand): 5'-AGGTGACTTCTGGGGGAACAGAAAGCATACTGATGGCCTGCAAAGCATATCGGGATCTGG[C>T]CTTTGAGAAGGGGATCAAAACTCCAGAAATGTATGTATGTGTGGCTGTTTTGTCCCCTTT-3'
Protein context (NP_003892.2, residues 215-235): LMACKAYRDL[Ala225Val]FEKGIKTPEI

ClinVar aggregate classification (germline): Uncertain significance (1 of 4 stars; one submission).

Allele frequency attached by ClinVar (database versions not stated): gnomAD 0.00001; TOPMed below 0.00001; ExAC 0.00001.
gnomAD v4.1: 1 of 1,613,630 alleles (0.000062%); highest among the groups gnomAD compares: Admixed American, 0.0017%; no homozygotes.

Submission:

Labcorp Genetics (formerly Invitae), Labcorp
Classification: Uncertain significance. Last evaluated: 2025-06-12. Review status: criteria provided, single submitter. Criteria: Invitae Variant Classification Sherloc (09022015). Collection method: clinical testing. Allele origin: germline.
Comment: This sequence change replaces alanine, which is neutral and non-polar, with valine, which is neutral and non-polar, at codon 225 of the SGPL1 protein (p.Ala225Val). This variant is present in population databases (rs777327598, gnomAD 0.003%). This variant has not been reported in the literature in individuals affected with SGPL1-related conditions. ClinVar contains an entry for this variant (Variation ID: 2100876). Invitae Evidence Modeling of protein sequence and biophysical properties (such as structural, functional, and spatial information, amino acid conservation, physicochemical variation, residue mobility, and thermodynamic stability) indicates that this missense variant is expected to disrupt SGPL1 protein function with a positive predictive value of 80%. In summary, the available evidence is currently insufficient to determine the role of this variant in disease. Therefore, it has been classified as a Variant of Uncertain Significance.